The following is an entry in ClinVar:

ClinVar aggregate classification (germline): Pathogenic (1 of 4 stars; one submission).

Conditions:
Dyskeratosis congenita, autosomal recessive 5 (DKCB5). Identifiers: MedGen C3554656, MONDO:0014076, OMIM 615190.
Pulmonary fibrosis and/or bone marrow failure, Telomere-related, 3. Also called: PULMONARY FIBROSIS AND/OR BONE MARROW FAILURE SYNDROME, TELOMERE-RELATED, 3. Identifiers: Orphanet 2032, MedGen C4225346, MONDO:0014613, OMIM 616373.

Submission:

Labcorp Genetics (formerly Invitae), Labcorp
Classification: Pathogenic for Dyskeratosis congenita, autosomal recessive 5; Pulmonary fibrosis and/or bone marrow failure, Telomere-related, 3. Last evaluated: 2025-03-05. Review status: criteria provided, single submitter. Criteria: Invitae Variant Classification Sherloc (09022015). Collection method: clinical testing. Allele origin: germline.
Comment: This sequence change creates a premature translational stop signal (p.Tyr648*) in the RTEL1 gene. It is expected to result in an absent or disrupted protein product. Loss-of-function variants in RTEL1 are known to be pathogenic (PMID: 23453664, 23959892, 25607374). This variant is not present in population databases (gnomAD no frequency). This variant has not been reported in the literature in individuals affected with RTEL1-related conditions. For these reasons, this variant has been classified as Pathogenic.

Literature cited by the submitters: PubMed 23453664; PubMed 23959892; PubMed 25607374.

NM_001283009.2(RTEL1):c.1944C>A (p.Tyr648Ter)

Genes: RTEL1 (regulator of telomere elongation helicase 1; plus strand), RTEL1-TNFRSF6B (RTEL1-TNFRSF6B readthrough (NMD candidate); plus strand). Cytogenetic location: 20q13.33.
Variant type: single nucleotide variant.
Coding change: c.1944C>A on transcript NM_001283009.2 (MANE Select); coding-DNA position 1944, C replaced by A.
Protein change: p.Tyr648Ter; replaces tyrosine 648 with a stop codon.
Molecular consequence: nonsense. On other transcripts: non-coding transcript variant (1).
Genome position (GRCh38, 1-based): chr20:63,689,567, C>A. VCF-style: chr20-63689567-C-A. GRCh37 (hg19) VCF-style: chr20-62320920-C-A.
Other names: c.1275C>A, p.Tyr425Ter (NM_001283010.1); c.1944C>A, p.Tyr648Ter (NM_016434.4); c.2016C>A, p.Tyr672Ter (NM_032957.5); short protein forms Y672*, Y425*, Y648*.
Identifiers: ClinVar variation 4784365 (VCV004784365.1).